The following is an entry in ClinVar:

ClinVar aggregate classification (germline): Uncertain significance (1 of 4 stars; one submission).

Submission:

Labcorp Genetics (formerly Invitae), Labcorp
Classification: Uncertain significance. Last evaluated: 2024-10-28. Review status: criteria provided, single submitter. Criteria: Invitae Variant Classification Sherloc (09022015). Collection method: clinical testing. Allele origin: germline.
Comment: This sequence change replaces isoleucine, which is neutral and non-polar, with valine, which is neutral and non-polar, at codon 331 of the PPP3CA protein (p.Ile331Val). This variant is not present in population databases (gnomAD no frequency). This variant has not been reported in the literature in individuals affected with PPP3CA-related conditions. ClinVar contains an entry for this variant (Variation ID: 1382992). Invitae Evidence Modeling of protein sequence and biophysical properties (such as structural, functional, and spatial information, amino acid conservation, physicochemical variation, residue mobility, and thermodynamic stability) indicates that this missense variant is not expected to disrupt PPP3CA protein function with a negative predictive value of 80%. In summary, the available evidence is currently insufficient to determine the role of this variant in disease. Therefore, it has been classified as a Variant of Uncertain Significance.

NM_000944.5(PPP3CA):c.991A>G (p.Ile331Val)

Gene: PPP3CA (protein phosphatase 3 catalytic subunit alpha; minus strand). Cytogenetic location: 4q24.
Variant type: single nucleotide variant.
Coding change: c.991A>G on transcript NM_000944.5 (MANE Select); coding-DNA position 991, A replaced by G.
Protein change: p.Ile331Val; replaces isoleucine 331 with valine.
Molecular consequence: missense variant. On other transcripts: intron variant (1).
Genome position (GRCh38, 1-based): chr4:101,063,322, T>C on the plus strand (A>G on the coding strand, the complement: PPP3CA is on the minus strand). VCF-style: chr4-101063322-T-C. GRCh37 (hg19) VCF-style: chr4-101984479-T-C.
Other names: c.991A>G, p.Ile331Val (NM_001130691.2); c.956-2161A>G (NM_001130692.2); short protein forms I331V.
Identifiers: ClinVar variation 1382992 (VCV001382992.6), dbSNP rs2110226689, ClinGen allele CA357948966.